The following is an entry in ClinVar:

NM_000057.4(BLM):c.3478T>A (p.Tyr1160Asn)

Gene: BLM (BLM RecQ like helicase; plus strand). Cytogenetic location: 15q26.1.
Variant type: single nucleotide variant.
Coding change: c.3478T>A on transcript NM_000057.4 (MANE Select); coding-DNA position 3478, T replaced by A.
Protein change: p.Tyr1160Asn; replaces tyrosine 1160 with asparagine.
Molecular consequence: missense variant. On other transcripts: intron variant (1).
Genome position (GRCh38, 1-based): chr15:90,803,640, T>A. VCF-style: chr15-90803640-T-A. GRCh37 (hg19) VCF-style: chr15-91346870-T-A.
Other names: c.3478T>A (NM_000057.2); c.3478T>A, p.Tyr1160Asn (NM_001287246.2); c.2353T>A, p.Tyr785Asn (NM_001287248.2); c.3358+5303T>A (NM_001287247.2); short protein forms Y785N, Y1160N.
Identifiers: ClinVar variation 1378910 (VCV001378910.9), dbSNP rs752389778, ClinGen allele CA393847687.

ClinVar aggregate classification (germline): Uncertain significance. Review status: criteria provided, multiple submitters, no conflicts (2 of 4 stars). 2 submissions from 2 submitters: Uncertain significance (2). Last evaluated 2023-10-25.

Conditions:
Hereditary cancer-predisposing syndrome. Also called: Neoplastic Syndromes, Hereditary; Hereditary Cancer Syndrome; Tumor predisposition; Hereditary neoplastic syndrome. Identifiers: Orphanet 140162, MedGen C0027672, MeSH D009386, MONDO:0015356.
Bloom syndrome (BLM). Also called: Bloom-Torre-Machacek syndrome. Identifiers: Orphanet 125, MedGen C0005859, MONDO:0008876, OMIM 210900.

Submissions (2):

Ambry Genetics
Classification: Uncertain significance for Hereditary cancer-predisposing syndrome. Last evaluated: 2023-10-25. Review status: criteria provided, single submitter. Criteria: Ambry Variant Classification Scheme 2023. Collection method: clinical testing. Allele origin: germline.
Comment: The p.Y1160N variant (also known as c.3478T>A), located in coding exon 17 of the BLM gene, results from a T to A substitution at nucleotide position 3478. The tyrosine at codon 1160 is replaced by asparagine, an amino acid with dissimilar properties. This amino acid position is well conserved in available vertebrate species. In addition, this alteration is predicted to be tolerated by in silico analysis. Since supporting evidence is limited at this time, the clinical significance of this alteration remains unclear.

Labcorp Genetics (formerly Invitae), Labcorp
Classification: Uncertain significance for Bloom syndrome. Last evaluated: 2021-05-04. Review status: criteria provided, single submitter. Criteria: Invitae Variant Classification Sherloc (09022015). Collection method: clinical testing. Allele origin: germline.
Comment: In summary, the available evidence is currently insufficient to determine the role of this variant in disease. Therefore, it has been classified as a Variant of Uncertain Significance. Algorithms developed to predict the effect of missense changes on protein structure and function (SIFT, PolyPhen-2, Align-GVGD) all suggest that this variant is likely to be disruptive, but these predictions have not been confirmed by published functional studies and their clinical significance is uncertain. This variant has not been reported in the literature in individuals with BLM-related conditions. This variant is not present in population databases (ExAC no frequency). This sequence change replaces tyrosine with asparagine at codon 1160 of the BLM protein (p.Tyr1160Asn). The tyrosine residue is moderately conserved and there is a large physicochemical difference between tyrosine and asparagine.